The following is an entry in ClinVar:

NM_001127222.2(CACNA1A):c.5739C>T (p.Ala1913=)

Gene: CACNA1A (calcium voltage-gated channel subunit alpha1 A; minus strand). Cytogenetic location: 19p13.13.
Variant type: single nucleotide variant.
Coding change: c.5739C>T on transcript NM_001127222.2 (MANE Select); coding-DNA position 5739, C replaced by T.
Protein change: p.Ala1913=; no amino-acid change (alanine 1913 retained).
Molecular consequence: synonymous variant.
Genome position (GRCh38, 1-based): chr19:13,214,601, G>A on the plus strand (C>T on the coding strand, the complement: CACNA1A is on the minus strand). VCF-style: chr19-13214601-G-A. GRCh37 (hg19) VCF-style: chr19-13325415-G-A.
Other names: p.Ala1914=; c.5757C>T, p.Ala1919= (NM_000068.4, NM_023035.3); c.5742C>T, p.Ala1914= (NM_001127221.2); c.5748C>T, p.Ala1916= (NM_001174080.2); c.5739C>T (NM_001127222.1).
Identifiers: ClinVar variation 128555 (VCV000128555.27), dbSNP rs16044, ClinGen allele CA152112.

ClinVar aggregate classification (germline): Benign. Review status: criteria provided, multiple submitters, no conflicts (2 of 4 stars). 8 submissions from 8 submitters: Benign (6). 2 of the submissions do not count toward it. Last evaluated 2026-02-03.

Conditions:
CACNA1A-related disorder. Also called: CACNA1A-related condition.
Episodic ataxia type 2 (EA2). Also called: ACETAZOLAMIDE-RESPONSIVE HEREDITARY PAROXYSMAL CEREBELLAR ATAXIA; ATAXIA, EPISODIC, WITH NYSTAGMUS; ATAXIA, FAMILIAL PAROXYSMAL; CEREBELLAR ATAXIA, PAROXYSMAL, ACETAZOLAMIDE-RESPONSIVE; CEREBELLOPATHY, HEREDITARY PAROXYSMAL; EPISODIC ATAXIA, NYSTAGMUS-ASSOCIATED. Identifiers: Orphanet 97, MedGen C1720416, MONDO:0007163, OMIM 108500.
Developmental and epileptic encephalopathy, 42 (DEE42A). Also called: DEVELOPMENTAL AND EPILEPTIC ENCEPHALOPATHY 42A; EPILEPTIC ENCEPHALOPATHY, EARLY INFANTILE, 42A; Epileptic encephalopathy, early infantile, 42. Identifiers: MedGen C4310716, MONDO:0014917, OMIM 617106.
Inborn genetic diseases. Identifiers: MedGen C0950123, MeSH D030342.

Allele frequency attached by ClinVar (database versions not stated): gnomAD exomes 0.00126 and 0.00322; ExAC 0.00440; gnomAD 0.01323 and 0.01420; ESP Exome Variant Server 0.01387; TOPMed 0.01428; 1000 Genomes Project 30x 0.01437; 1000 Genomes Project 0.01498.
gnomAD v4.1: 3,938 of 1,612,970 alleles (0.24%); highest among the groups gnomAD compares: African/African-American, 4.6%; 75 homozygotes.

Submissions (8):

Labcorp Genetics (formerly Invitae), Labcorp
Classification: Benign for Developmental and epileptic encephalopathy, 42; Episodic ataxia type 2. Last evaluated: 2026-02-03. Review status: criteria provided, single submitter. Criteria: Invitae Variant Classification Sherloc (09022015). Collection method: clinical testing. Allele origin: germline.

Athena Diagnostics
Classification: Benign. Last evaluated: 2025-06-19. Review status: criteria provided, single submitter. Criteria: Athena Diagnostics Criteria. Collection method: clinical testing. Allele origin: unknown.
Comment: The frequency of this variant in the general population is higher than would generally be expected for pathogenic variants in this gene.

Mayo Clinic Laboratories, Mayo Clinic
Classification: Benign. Last evaluated: 2024-09-13. Review status: criteria provided, single submitter. Criteria: ACMG Guidelines, 2015. Collection method: clinical testing. Allele origin: germline. Observed: 10 variant alleles.
Comment: BA1, BS2

GeneDx
Classification: Benign. Last evaluated: 2016-02-05. Review status: criteria provided, single submitter. Criteria: GeneDx Variant Classification (06012015). Collection method: clinical testing. Allele origin: germline. Affected: yes.
Comment: This variant is considered likely benign or benign based on one or more of the following criteria: it is a conservative change, it occurs at a poorly conserved position in the protein, it is predicted to be benign by multiple in silico algorithms, and/or has population frequency not consistent with disease.

Ambry Genetics
Classification: Benign for Inborn genetic diseases. Last evaluated: 2016-01-08. Review status: criteria provided, single submitter. Criteria: Ambry Variant Classification Scheme 2023. Collection method: clinical testing. Allele origin: germline.

Breakthrough Genomics
Classification: Benign. Review status: criteria provided, single submitter. Criteria: ACMG Guidelines, 2015. Collection method: not provided. Allele origin: germline. Inheritance: Autosomal dominant inheritance. Affected: yes.

PreventionGenetics, part of Exact Sciences
Classification: Benign for CACNA1A-related condition. Last evaluated: 2019-07-01. Review status: no assertion criteria provided. Collection method: clinical testing. Allele origin: germline. Not counted in ClinVar's aggregate classification.
Comment: This variant is classified as benign based on ACMG/AMP sequence variant interpretation guidelines (Richards et al. 2015 PMID: 25741868, with internal and published modifications).

Genetic Services Laboratory, University of Chicago
Classification: Likely benign for AllHighlyPenetrant. Review status: no assertion criteria provided. Collection method: clinical testing. Allele origin: germline. Inheritance: Autosomal dominant inheritance. Not counted in ClinVar's aggregate classification.
Comment: Likely benign based on allele frequency in 1000 Genomes Project or ESP global frequency and its presence in a patient with a rare or unrelated disease phenotype. NOT Sanger confirmed.

Literature cited by the submitters: PubMed 10408532 (cited by Athena Diagnostics); PubMed 22784462 (cited by Athena Diagnostics).